The following is an entry in ClinVar:

ClinVar aggregate classification (germline): Uncertain significance (1 of 4 stars; one submission).

Conditions:
MEGF10-related myopathy (CMYO10A). Also called: Congenital myopathy 10A, severe variant. Identifiers: Orphanet 439212, MedGen C3280679, MONDO:0013731, OMIM 614399.

Submission:

Labcorp Genetics (formerly Invitae), Labcorp
Classification: Uncertain significance for MEGF10-related myopathy. Last evaluated: 2022-02-19. Review status: criteria provided, single submitter. Criteria: Invitae Variant Classification Sherloc (09022015). Collection method: clinical testing. Allele origin: germline.
Comment: In summary, the available evidence is currently insufficient to determine the role of this variant in disease. Therefore, it has been classified as a Variant of Uncertain Significance. Algorithms developed to predict the effect of missense changes on protein structure and function are either unavailable or do not agree on the potential impact of this missense change (SIFT: "Deleterious"; PolyPhen-2: "Benign"; Align-GVGD: "Class C65"). This variant has not been reported in the literature in individuals affected with MEGF10-related conditions. This variant is not present in population databases (gnomAD no frequency). This sequence change replaces cysteine, which is neutral and slightly polar, with serine, which is neutral and polar, at codon 428 of the MEGF10 protein (p.Cys428Ser).

NM_001256545.2(MEGF10):c.1282T>A (p.Cys428Ser)

Gene: MEGF10 (multiple EGF like domains 10; plus strand). Cytogenetic location: 5q23.2.
Variant type: single nucleotide variant.
Coding change: c.1282T>A on transcript NM_001256545.2 (MANE Select); coding-DNA position 1282, T replaced by A.
Protein change: p.Cys428Ser; replaces cysteine 428 with serine.
Molecular consequence: missense variant.
Genome position (GRCh38, 1-based): chr5:127,417,789, T>A. VCF-style: chr5-127417789-T-A. GRCh37 (hg19) VCF-style: chr5-126753481-T-A.
Other names: c.1282T>A, p.Cys428Ser (NM_001308119.2, NM_001308121.2, NM_032446.3); short protein forms C428S.
Identifiers: ClinVar variation 2159228 (VCV002159228.4), dbSNP rs2479702849, ClinGen allele CA360728719.
Genomic context (GRCh38, chr5:127,417,789, plus strand): 5'-GCTTGCCAGCAGATCTGCAGCTGCCAAAATGGGGCAGACTGTGACAGTGTGACTGGAAAG[T>A]GCACCTGTGCCCCAGGATTCAAAGTGAGTGACTAGGGCTCTGGAGGAAGGAGAAGAGGGG-3'
Protein context (NP_001243474.1, residues 418-438): GADCDSVTGK[Cys428Ser]TCAPGFKGID